The following is an entry in ClinVar:

NM_001199107.2(TBC1D24):c.1142+7C>A

Gene: TBC1D24 (TBC1 domain family member 24; plus strand). Cytogenetic location: 16p13.3.
Variant type: single nucleotide variant.
Coding change: c.1142+7C>A on transcript NM_001199107.2 (MANE Select); 7 bases into the intron after coding-DNA position 1142, C replaced by A.
Molecular consequence: intron variant.
Genome position (GRCh38, 1-based): chr16:2,498,403, C>A. VCF-style: chr16-2498403-C-A. GRCh37 (hg19) VCF-style: chr16-2548404-C-A.
Other names: c.1124+7C>A (NM_020705.3).
Identifiers: ClinVar variation 1089356 (VCV001089356.17), dbSNP rs1364280797, ClinGen allele CA719319126.
Genomic context (GRCh38, chr16:2,498,403, plus strand): 5'-GTGCCAGCCCCTTCTGCTGTTCTCCTCCCTGCAGCACGGGTACAGCCTGGCCAGGTAACA[C>A]CCCAAGGGGCCAGAGCGGGCGGCAGAGCCGCCCAGCCACGTGTCCTGCCCACAGAGGCTG-3'

ClinVar aggregate classification (germline): Conflicting classifications of pathogenicity. Review status: criteria provided, conflicting classifications (1 of 4 stars). 2 submissions from 2 submitters: Uncertain significance (1); Likely benign (1). Last evaluated 2025-06-01.

Conditions:
Developmental and epileptic encephalopathy, 1 (DEE1). Also called: INFANTILE SPASM SYNDROME, X-LINKED 1; Epileptic encephalopathy, early infantile, 1; X-linked infantile spasms; West's syndrome; Tonic spasms with clustering, arrest of psychomotor development and hypsarrhythmia on EEG; X-Linked Infantile Spasm Syndrome. Identifiers: MedGen C3463992, MONDO:0010632, OMIM 308350. Disease mechanism: loss of function.
Autosomal dominant nonsyndromic hearing loss 65. Also called: Deafness, autosomal dominant 65; TBC1D24-Related Autosomal Dominant Nonsyndromic Hearing Loss (DFNA). Identifiers: Orphanet 90635, MedGen C3892048, MONDO:0014470, OMIM 616044.

Allele frequency attached by ClinVar (database versions not stated): gnomAD exomes below 0.00001; TOPMed below 0.00001; gnomAD 0.00001.
gnomAD v4.1: 3 of 1,599,918 alleles (0.00019%); highest among the groups gnomAD compares: East Asian, 0.0022%; no homozygotes.

Submissions (2):

CeGaT Center for Human Genetics Tuebingen
Classification: Uncertain significance. Last evaluated: 2025-06-01. Review status: criteria provided, single submitter. Criteria: CeGaT Center For Human Genetics Tuebingen Variant Classification Criteria Version 2. Collection method: clinical testing. Allele origin: germline. Affected: yes. Observed: 1 variant allele.
Comment: TBC1D24: PM2, BP4

Labcorp Genetics (formerly Invitae), Labcorp
Classification: Likely benign for Developmental and epileptic encephalopathy, 1; Autosomal dominant nonsyndromic hearing loss 65. Last evaluated: 2024-12-22. Review status: criteria provided, single submitter. Criteria: Invitae Variant Classification Sherloc (09022015). Collection method: clinical testing. Allele origin: germline.